The following is an entry in ClinVar:

ClinVar aggregate classification (germline): Uncertain significance (1 of 4 stars; one submission).

Allele frequency attached by ClinVar (database versions not stated): gnomAD 0.00001; gnomAD exomes below 0.00001.
gnomAD v4.1: 2 of 1,613,968 alleles (0.00012%); highest among the groups gnomAD compares: Admixed American, 0.0017%; no homozygotes.

Submission:

Labcorp Genetics (formerly Invitae), Labcorp
Classification: Uncertain significance. Last evaluated: 2022-09-17. Review status: criteria provided, single submitter. Criteria: Invitae Variant Classification Sherloc (09022015). Collection method: clinical testing. Allele origin: germline.
Comment: This variant is not present in population databases (gnomAD no frequency). In summary, the available evidence is currently insufficient to determine the role of this variant in disease. Therefore, it has been classified as a Variant of Uncertain Significance. Advanced modeling of protein sequence and biophysical properties (such as structural, functional, and spatial information, amino acid conservation, physicochemical variation, residue mobility, and thermodynamic stability) performed at Invitae indicates that this missense variant is expected to disrupt C3 protein function. This variant has not been reported in the literature in individuals affected with C3-related conditions. This sequence change replaces lysine, which is basic and polar, with glutamic acid, which is acidic and polar, at codon 1036 of the C3 protein (p.Lys1036Glu).

NM_000064.4(C3):c.3106A>G (p.Lys1036Glu)

Gene: C3 (complement C3; minus strand). Cytogenetic location: 19p13.3.
Variant type: single nucleotide variant.
Coding change: c.3106A>G on transcript NM_000064.4 (MANE Select); coding-DNA position 3106, A replaced by G.
Protein change: p.Lys1036Glu; replaces lysine 1036 with glutamic acid.
Molecular consequence: missense variant.
Genome position (GRCh38, 1-based): chr19:6,694,479, T>C on the plus strand (A>G on the coding strand, the complement: C3 is on the minus strand). VCF-style: chr19-6694479-T-C. GRCh37 (hg19) VCF-style: chr19-6694490-T-C.
Other names: short protein forms K1036E.
Identifiers: ClinVar variation 2072935 (VCV002072935.4), dbSNP rs1918256889, ClinGen allele CA403628587.